The following is an entry in ClinVar:

ClinVar aggregate classification (germline): Pathogenic (1 of 4 stars; one submission).

Submission:

Clinical Genomics Laboratory, Laboratory for Precision Diagnostics, University of Washington
Classification: Pathogenic. Last evaluated: 2024-03-22. Review status: criteria provided, single submitter. Criteria: ACMG/ClinGen CNV Guidelines, 2019. Collection method: clinical testing. Allele origin: de novo. Affected: yes. Observed: 1 variant allele.
Comment: This interstitial deletion is approximately 8.2 Mb in size and contains 27 protein-coding genes, including GLI2. Heterozygous loss-of-function variants in GLI2, including whole-gene deletions and chromosome microdeletions of this region, are associated with polydactyly, hypopituitarism, short stature, and a spectrum of holoprosencephaly variants. Penetrance is incomplete.

Literature cited by the submitters: PubMed 21204792; PubMed 24744436; PubMed 22106008; PubMed 25820550; PubMed 29298444.

GRCh38/hg38 2q14.2-14.3(chr2:119859912-128053463)x1

Genes: AMMECR1L (AMMECR1 like; minus strand), BIN1 (bridging integrator 1; minus strand), CLASP1 (cytoplasmic linker associated protein 1; minus strand), CLASP1-AS1 (CLASP1 antisense RNA 1; plus strand), CNTNAP5 (contactin associated protein family member 5; plus strand) and 143 more. Cytogenetic location: 2q14.2-14.3.
Variant type: copy number loss.
Change: copy number 1 (one copy instead of two) of chr2:119,859,912-128,053,463 (8.19 Mb, GRCh38 coordinates, 1-based), cytogenetic band 2q14.2-14.3.
Identifiers: ClinVar variation 4890969 (VCV004890969.1).